The following is an entry in ClinVar:

NM_000128.4(F11):c.1617dup (p.Val540fs)

Genes: F11 (coagulation factor XI; plus strand), F11-AS1 (F11 antisense RNA 1; minus strand). Cytogenetic location: 4q35.2.
Variant type: Duplication.
Coding change: c.1617dup on transcript NM_000128.4 (MANE Select); coding-DNA position 1617, one base duplicated (A; older notation c.1617dupA).
Protein change: p.Val540fs; shifts the reading frame from valine 540.
Molecular consequence: frameshift variant.
Genome position (GRCh38, 1-based): chr4:186,287,724, A duplicated. VCF-style (leftmost placement, unchanged base first): chr4-186287723-T-TA. GRCh37 (hg19) VCF-style: chr4-187208877-T-TA.
Other names: c.1569dup, p.Val524fs (NM_001440590.1); c.1521dup, p.Val508fs (NM_001440593.1); c.1473dup, p.Val492fs (NM_001440596.1); c.1347dup, p.Val450fs (NM_001440605.1); c.1299dup, p.Val434fs (NM_001440606.1); c.1251dup, p.Val418fs (NM_001440607.1); c.1203dup, p.Val402fs (NM_001440608.1); short protein forms V402fs, V418fs, V434fs, V450fs, V492fs, V508fs, V524fs, V540fs.
Identifiers: ClinVar variation 4817494 (VCV004817494.1).

ClinVar aggregate classification (germline): Likely pathogenic (1 of 4 stars; one submission).

Conditions:
Plasma factor XI deficiency.

Submission:

Natera, Inc.
Classification: Likely pathogenic for Plasma factor XI deficiency. Last evaluated: 2025-06-03. Review status: criteria provided, single submitter. Criteria: Natera Variant Classification Schema (03/2026). Collection method: clinical testing. Allele origin: germline.
Comment: The c.1617dup variant in F11 is a frameshift variant predicted to shift the reading frame beginning at codon 540 and leads to a stop codon 14 codons downstream. This variant is expected to result in nonsense mediated decay, truncation, or a dysfunctional protein product. This variant is rare in the general population with a frequency below the threshold expected for the associated phenotype(s). Given the available evidence, this variant is classified as Likely Pathogenic.